The following is an entry in ClinVar:

NM_133642.5(LARGE1):c.2153G>C (p.Arg718Pro)

Gene: LARGE1 (LARGE xylosyl- and glucuronyltransferase 1; minus strand). Cytogenetic location: 22q12.3.
Variant type: single nucleotide variant.
Coding change: c.2153G>C on transcript NM_133642.5 (MANE Select); coding-DNA position 2153, G replaced by C.
Protein change: p.Arg718Pro; replaces arginine 718 with proline.
Molecular consequence: missense variant.
Genome position (GRCh38, 1-based): chr22:33,274,545, C>G on the plus strand (G>C on the coding strand, the complement: LARGE1 is on the minus strand). VCF-style: chr22-33274545-C-G. GRCh37 (hg19) VCF-style: chr22-33670531-C-G.
Other names: c.2153G>C, p.Arg718Pro (NM_001362949.2, NM_001362951.2, NM_001362953.2 and 4 more transcripts); c.2006G>C, p.Arg669Pro (NM_001378627.1, NM_001378628.1); c.1997G>C, p.Arg666Pro (NM_001378629.1); c.1550G>C, p.Arg517Pro (NM_001378630.1); c.1247G>C, p.Arg416Pro (NM_001378631.1); short protein forms R666P, R416P, R718P, R517P, R669P.
Identifiers: ClinVar variation 842500 (VCV000842500.10), dbSNP rs1263627262, ClinGen allele CA411542440.

ClinVar aggregate classification (germline): Uncertain significance (1 of 4 stars; one submission).

Conditions:
Muscular dystrophy-dystroglycanopathy type B6 (MDDGB6). Also called: MUSCULAR DYSTROPHY, CONGENITAL, LARGE-RELATED; MUSCULAR DYSTROPHY, CONGENITAL, TYPE 1D; MUSCULAR DYSTROPHY-DYSTROGLYCANOPATHY (CONGENITAL WITH IMPAIRED INTELLECTUAL DEVELOPMENT), TYPE B, 6. Identifiers: MedGen C1837229, MONDO:0012138, OMIM 608840.

Submission:

Labcorp Genetics (formerly Invitae), Labcorp
Classification: Uncertain significance for Muscular dystrophy-dystroglycanopathy type B6. Last evaluated: 2023-12-06. Review status: criteria provided, single submitter. Criteria: Invitae Variant Classification Sherloc (09022015). Collection method: clinical testing. Allele origin: germline.
Comment: This sequence change replaces arginine, which is basic and polar, with proline, which is neutral and non-polar, at codon 718 of the LARGE1 protein (p.Arg718Pro). This variant is not present in population databases (gnomAD no frequency). This variant has not been reported in the literature in individuals affected with LARGE1-related conditions. ClinVar contains an entry for this variant (Variation ID: 842500). Advanced modeling of protein sequence and biophysical properties (such as structural, functional, and spatial information, amino acid conservation, physicochemical variation, residue mobility, and thermodynamic stability) performed at Invitae indicates that this missense variant is expected to disrupt LARGE1 protein function with a positive predictive value of 80%. In summary, the available evidence is currently insufficient to determine the role of this variant in disease. Therefore, it has been classified as a Variant of Uncertain Significance.